The following is an entry in ClinVar:

ClinVar aggregate classification (germline): Uncertain significance (1 of 4 stars; one submission).

Submission:

GeneDx
Classification: Uncertain significance. Last evaluated: 2024-09-25. Review status: criteria provided, single submitter. Criteria: GeneDx Variant Classification Process June 2021. Collection method: clinical testing. Allele origin: germline. Affected: yes.
Comment: In-frame duplication of 4 amino acids in a non-repeat region; Not observed at significant frequency in large population cohorts (gnomAD); Has not been previously published as pathogenic or benign to our knowledge

NM_001429.4(EP300):c.6449_6460dup (p.Gln2153_Leu2154insProGlnGlnGln)

Gene: EP300 (E1A binding protein p300; plus strand). Cytogenetic location: 22q13.2.
Variant type: Duplication.
Coding change: c.6449_6460dup on transcript NM_001429.4 (MANE Select); coding-DNA positions 6449 to 6460, 12 bases duplicated (CACAGCAGCAAC).
Protein change: p.Gln2153_Leu2154insProGlnGlnGln.
Genome position (GRCh38, 1-based): chr22:41,178,160-41,178,171, CACAGCAGCAAC duplicated; duplicating any 12 consecutive bases within chr22:41,178,150-41,178,171 gives the same sequence; the c. name uses the placement nearest the transcript's 3' end. VCF-style (leftmost placement, unchanged base first): chr22-41178149-C-CCAGCAGCAACCA. GRCh37 (hg19) VCF-style: chr22-41574153-C-CCAGCAGCAACCA.
Other names: c.6371_6382dup, p.Gln2127_Leu2128insProGlnGlnGln (NM_001362843.2).
Identifiers: ClinVar variation 3774659 (VCV003774659.1).
Genomic context (GRCh38, chr22:41,178,149, plus strand): 5'-CAATCCAGCCATGCAGAACATGAATCCAATGCAGGCGGGCGTTCAGAGGGCTGGCCTGCC[C>CCAGCAGCAACCA]CAGCAGCAACCACAGCAGCAACTCCAGCCACCCATGGGAGGGATGAGCCCCCAGGCTCAG-3'